The following is an entry in ClinVar:

NM_022168.4(IFIH1):c.730T>A (p.Ser244Thr)

Gene: IFIH1 (interferon induced with helicase C domain 1; minus strand). Cytogenetic location: 2q24.2.
Variant type: single nucleotide variant.
Coding change: c.730T>A on transcript NM_022168.4 (MANE Select); coding-DNA position 730, T replaced by A.
Protein change: p.Ser244Thr; replaces serine 244 with threonine.
Molecular consequence: missense variant.
Genome position (GRCh38, 1-based): chr2:162,306,748, A>T on the plus strand (T>A on the coding strand, the complement: IFIH1 is on the minus strand). VCF-style: chr2-162306748-A-T. GRCh37 (hg19) VCF-style: chr2-163163258-A-T.
Other names: short protein forms S244T.
Identifiers: ClinVar variation 1421277 (VCV001421277.6), dbSNP rs753380568, ClinGen allele CA349008283.
Genomic context (GRCh38, chr2:162,306,748, plus strand): 5'-GTACGTATGTGTTTCAAGTACCTGAAACTACAGAAGAATCTGCAAAAGATGATTCTGATG[A>T]GTTATTCTCCATGCCCCAGACCTCCTTCTCCAGATTTGGCTGAACTGTGGTTGAAAGAAG-3'
Protein context (NP_071451.2, residues 234-254): EKEVWGMENN[Ser244Thr]SESSFADSSV

ClinVar aggregate classification (germline): Uncertain significance (1 of 4 stars; one submission).

Conditions:
Singleton-Merten syndrome 1 (SGMRT1). Also called: Widened medullary cavities of bone, aortic calcification, abnormal dentition, and muscular weakness; Syndrome of widened medullary cavities of the metacarpals and phalanges, aortic calcification and abnormal dentition. Identifiers: Orphanet 85191, MedGen C4225427, MONDO:0024535, OMIM 182250.
Aicardi-Goutieres syndrome 7 (AGS7). Identifiers: Orphanet 51, MedGen C3888244, MONDO:0014367, OMIM 615846.

Submission:

Labcorp Genetics (formerly Invitae), Labcorp
Classification: Uncertain significance for Aicardi-Goutieres syndrome 7; Singleton-Merten syndrome 1. Last evaluated: 2022-07-12. Review status: criteria provided, single submitter. Criteria: Invitae Variant Classification Sherloc (09022015). Collection method: clinical testing. Allele origin: germline.
Comment: In summary, the available evidence is currently insufficient to determine the role of this variant in disease. Therefore, it has been classified as a Variant of Uncertain Significance. Algorithms developed to predict the effect of missense changes on protein structure and function (SIFT, PolyPhen-2, Align-GVGD) all suggest that this variant is likely to be tolerated. ClinVar contains an entry for this variant (Variation ID: 1421277). This variant has not been reported in the literature in individuals affected with IFIH1-related conditions. This variant is not present in population databases (gnomAD no frequency). This sequence change replaces serine, which is neutral and polar, with threonine, which is neutral and polar, at codon 244 of the IFIH1 protein (p.Ser244Thr).